The following is an entry in ClinVar:

ClinVar aggregate classification (germline): Pathogenic (0 of 4 stars; one submission).

Conditions:
Fanconi anemia complementation group A (FANCA). Also called: Fanconi anemia, group A; FANCA-Related Fanconi Anemia. Identifiers: Orphanet 84, MedGen C3469521, MONDO:0009215, OMIM 227650.

Submission:

Leiden Open Variation Database
Classification: Pathogenic for Fanconi anemia complementation group A. Last evaluated: 2020-02-28. Review status: no assertion criteria provided. Collection method: curation. Allele origin: germline. Affected: yes.
Comment: Curator: Arleen D. Auerbach. Submitters to LOVD: Arleen D. Auerbach, Johan de Winter.

Literature cited by the submitters: PubMed 10521298; PubMed 16084127; PubMed 22778927.

NC_000016.10:g.(89779958_89782858)_(89784965_89791402)del

Gene: FANCA (FA complementation group A; minus strand). Cytogenetic location: 16q24.3.
Variant type: Deletion.
Identifiers: ClinVar variation 974115 (VCV000974115.1).